The following is an entry in ClinVar:

NM_000238.4(KCNH2):c.2947A>G (p.Thr983Ala)

Gene: KCNH2 (potassium voltage-gated channel subfamily H member 2; minus strand). Cytogenetic location: 7q36.1.
Variant type: single nucleotide variant.
Coding change: c.2947A>G on transcript NM_000238.4 (MANE Select); coding-DNA position 2947, A replaced by G.
Protein change: p.Thr983Ala; replaces threonine 983 with alanine.
Molecular consequence: missense variant. On other transcripts: non-coding transcript variant (2).
Genome position (GRCh38, 1-based): chr7:150,947,624, T>C on the plus strand (A>G on the coding strand, the complement: KCNH2 is on the minus strand). VCF-style: chr7-150947624-T-C. GRCh37 (hg19) VCF-style: chr7-150644712-T-C.
Other names: c.2659A>G, p.Thr887Ala (NM_001406753.1); c.1927A>G, p.Thr643Ala (NM_172057.3); short protein forms T887A, T643A, T983A.
Identifiers: ClinVar variation 3724603 (VCV003724603.2).
Genomic context (GRCh38, chr7:150,947,624, plus strand): 5'-GCCACGCCCGGTCCTCCCTCGCCCGCCCGTCGCCCGGGATACCTGACAGGGGGTTGCAAG[T>C]GTCGCTGCTCTTCTCGCAGTCCTCCATCAGGGGCTCCCCACCCGGCGGCTCTCCGGGGGG-3'
Protein context (NP_000229.1, residues 973-993): LMEDCEKSSD[Thr983Ala]CNPLSGAFSG

ClinVar aggregate classification (germline): Uncertain significance (1 of 4 stars; one submission).

Conditions:
Long QT syndrome (LQTS). Identifiers: MedGen C0023976, MeSH D008133, MONDO:0002442. Disease mechanism: loss of function. Inheritance: Various modes of inheritance.

gnomAD v4.1: 1 of 1,612,738 alleles (0.000062%); highest among the groups gnomAD compares: Non-Finnish European, 0.000085%; no homozygotes.

Submission:

Labcorp Genetics (formerly Invitae), Labcorp
Classification: Uncertain significance for Long QT syndrome. Last evaluated: 2024-11-04. Review status: criteria provided, single submitter. Criteria: Invitae Variant Classification Sherloc (09022015). Collection method: clinical testing. Allele origin: germline.
Comment: This sequence change replaces threonine, which is neutral and polar, with alanine, which is neutral and non-polar, at codon 983 of the KCNH2 protein (p.Thr983Ala). This variant is not present in population databases (gnomAD no frequency). This variant has not been reported in the literature in individuals affected with KCNH2-related conditions. An algorithm developed to predict the effect of missense changes on protein structure and function (PolyPhen-2) suggests that this variant is likely to be tolerated. In summary, the available evidence is currently insufficient to determine the role of this variant in disease. Therefore, it has been classified as a Variant of Uncertain Significance.